The following is an entry in ClinVar:

NM_001365276.2(TNXB):c.2373C>T (p.Ser791=)

Gene: TNXB (tenascin XB; minus strand). Cytogenetic location: 6p21.33.
Variant type: single nucleotide variant.
Coding change: c.2373C>T on transcript NM_001365276.2 (MANE Select); coding-DNA position 2373, C replaced by T.
Protein change: p.Ser791=; no amino-acid change (serine 791 retained).
Molecular consequence: synonymous variant.
Genome position (GRCh38, 1-based): chr6:32,089,365, G>A on the plus strand (C>T on the coding strand, the complement: TNXB is on the minus strand). VCF-style: chr6-32089365-G-A. GRCh37 (hg19) VCF-style: chr6-32057142-G-A.
Other names: p.Ser791=; c.2373C>T, p.Ser791= (NM_019105.8).
Identifiers: ClinVar variation 261130 (VCV000261130.16), dbSNP rs112581362, ClinGen allele CA3735495.

ClinVar aggregate classification (germline): Benign/Likely benign. Review status: criteria provided, multiple submitters, no conflicts (2 of 4 stars). 9 submissions from 9 submitters: Benign (6); Likely benign (3). Last evaluated 2026-03-31.

Conditions:
Ehlers-Danlos syndrome due to tenascin-X deficiency (EDSCLL1). Also called: EDS DUE TO TNX DEFICIENCY; TNXB-Related Classical-Like Ehlers-Danlos Syndrome; EHLERS-DANLOS SYNDROME, CLASSIC-LIKE; Ehlers-Danlos syndrome, classic-like, 1; TNX DEFICIENCY. Identifiers: Orphanet 230839, MedGen C1848029, MONDO:0011670, OMIM 606408.
Vesicoureteral reflux 8 (VUR8). Identifiers: Orphanet 289365, MedGen C4014831, MONDO:0014422, OMIM 615963.
Ehlers-Danlos syndrome (EDS). Identifiers: Orphanet 98249, MedGen C0013720, MONDO:0020066.
Cardiovascular phenotype. Identifiers: MedGen CN230736.

Allele frequency attached by ClinVar (database versions not stated): gnomAD exomes 0.00214; ExAC 0.00315; gnomAD 0.00567 and 0.00587; 1000 Genomes Project 0.00579; TOPMed 0.00644; ESP Exome Variant Server 0.00647; 1000 Genomes Project 30x 0.00703.
gnomAD v4.1: 3,991 of 1,606,748 alleles (0.25%); highest among the groups gnomAD compares: African/African-American, 1.5%; 18 homozygotes.

Submissions (9):

Women's Health and Genetics/Laboratory Corporation of America, LabCorp
Classification: Benign. Last evaluated: 2026-03-31. Review status: criteria provided, single submitter. Criteria: LabCorp Variant Classification Summary - May 2015. Collection method: clinical testing. Allele origin: germline.

Labcorp Genetics (formerly Invitae), Labcorp
Classification: Benign. Last evaluated: 2026-01-29. Review status: criteria provided, single submitter. Criteria: Invitae Variant Classification Sherloc (09022015). Collection method: clinical testing. Allele origin: germline.

Blueprint Genetics
Classification: Likely benign. Last evaluated: 2024-11-22. Review status: criteria provided, single submitter. Criteria: ACMG Guidelines, 2015. Collection method: clinical testing. Allele origin: germline.

Mayo Clinic Laboratories, Mayo Clinic
Classification: Benign. Last evaluated: 2023-04-18. Review status: criteria provided, single submitter. Criteria: ACMG Guidelines, 2015. Collection method: clinical testing. Allele origin: germline. Observed: 14 variant alleles.
Comment: BS1, BS2, BP4, BP7

GeneDx
Classification: Likely benign. Last evaluated: 2021-10-06. Review status: criteria provided, single submitter. Criteria: GeneDx Variant Classification Process June 2021. Collection method: clinical testing. Allele origin: germline. Affected: yes.

Fulgent Genetics
Classification: Benign for Ehlers-Danlos syndrome due to tenascin-X deficiency; Vesicoureteral reflux 8. Last evaluated: 2021-07-07. Review status: criteria provided, single submitter. Criteria: ACMG Guidelines, 2015. Collection method: clinical testing. Allele origin: unknown.

Genome Diagnostics Laboratory, The Hospital for Sick Children
Classification: Likely benign for Ehlers-Danlos syndrome. Last evaluated: 2021-01-25. Review status: criteria provided, single submitter. Criteria: ACMG Guidelines, 2015. Collection method: clinical testing. Allele origin: germline.

Ambry Genetics
Classification: Benign for Cardiovascular phenotype. Last evaluated: 2019-07-05. Review status: criteria provided, single submitter. Criteria: Ambry Variant Classification Scheme 2023. Collection method: clinical testing. Allele origin: germline.

PreventionGenetics, part of Exact Sciences
Classification: Benign. Review status: criteria provided, single submitter. Criteria: ACMG Guidelines, 2015. Collection method: clinical testing. Allele origin: germline.